The following is an entry in ClinVar:

NM_002452.4(NUDT1):c.285C>T (p.Pro95=)

Gene: NUDT1 (nudix hydrolase 1; plus strand). Cytogenetic location: 7p22.3.
Variant type: single nucleotide variant.
Coding change: c.285C>T on transcript NM_002452.4 (MANE Select); coding-DNA position 285, C replaced by T.
Protein change: p.Pro95=; no amino-acid change (proline 95 retained).
Molecular consequence: synonymous variant. On other transcripts: non-coding transcript variant (1).
Genome position (GRCh38, 1-based): chr7:2,249,989, C>T. VCF-style: chr7-2249989-C-T. GRCh37 (hg19) VCF-style: chr7-2289624-C-T.
Other names: c.285C>T, p.Pro95= (NM_001367553.1, NM_001367554.1, NM_001367555.1 and 3 more transcripts); c.354C>T, p.Pro118= (NM_198949.2, NM_198952.2, NM_198954.1).
Identifiers: ClinVar variation 2657227 (VCV002657227.24), dbSNP rs143614396, ClinGen allele CA4124358.

ClinVar aggregate classification (germline): Likely benign (1 of 4 stars; one submission).

Allele frequency attached by ClinVar (database versions not stated): ESP Exome Variant Server 0.00092; 1000 Genomes Project 0.00120; gnomAD 0.00123; gnomAD exomes 0.00131; 1000 Genomes Project 30x 0.00141; TOPMed 0.00175; ExAC 0.00189.

Submission:

CeGaT Center for Human Genetics Tuebingen
Classification: Likely benign. Last evaluated: 2022-10-01. Review status: criteria provided, single submitter. Criteria: CeGaT Center For Human Genetics Tuebingen Variant Classification Criteria Version 2. Collection method: clinical testing. Allele origin: germline. Affected: yes. Observed: 1 variant allele.
Comment: NUDT1: BP4, BP7